The following is an entry in ClinVar:

ClinVar aggregate classification (germline): Uncertain significance (1 of 4 stars; one submission).

Allele frequency attached by ClinVar (database versions not stated): gnomAD 0.00004 and 0.00005; TOPMed 0.00006; ExAC 0.00010; gnomAD exomes 0.00011; 1000 Genomes Project 0.00020; 1000 Genomes Project 30x 0.00062.
gnomAD v4.1: 51 of 1,609,810 alleles (0.0032%); highest among the groups gnomAD compares: East Asian, 0.1%; no homozygotes.

Submission:

Labcorp Genetics (formerly Invitae), Labcorp
Classification: Uncertain significance. Last evaluated: 2022-08-22. Review status: criteria provided, single submitter. Criteria: Invitae Variant Classification Sherloc (09022015). Collection method: clinical testing. Allele origin: germline.
Comment: This sequence change replaces alanine, which is neutral and non-polar, with aspartic acid, which is acidic and polar, at codon 101 of the MEOX1 protein (p.Ala101Asp). This variant is present in population databases (rs183202008, gnomAD 0.1%). This variant has not been reported in the literature in individuals affected with MEOX1-related conditions. ClinVar contains an entry for this variant (Variation ID: 1418667). Algorithms developed to predict the effect of missense changes on protein structure and function are either unavailable or do not agree on the potential impact of this missense change (SIFT: "Deleterious"; PolyPhen-2: "Benign"; Align-GVGD: "Class C0"). In summary, the available evidence is currently insufficient to determine the role of this variant in disease. Therefore, it has been classified as a Variant of Uncertain Significance.

NM_004527.4(MEOX1):c.302C>A (p.Ala101Asp)

Gene: MEOX1 (mesenchyme homeobox 1; minus strand). Cytogenetic location: 17q21.31.
Variant type: single nucleotide variant.
Coding change: c.302C>A on transcript NM_004527.4 (MANE Select); coding-DNA position 302, C replaced by A.
Protein change: p.Ala101Asp; replaces alanine 101 with aspartic acid.
Molecular consequence: missense variant. On other transcripts: 5 prime UTR variant (1).
Genome position (GRCh38, 1-based): chr17:43,661,233, G>T on the plus strand (C>A on the coding strand, the complement: MEOX1 is on the minus strand). VCF-style: chr17-43661233-G-T. GRCh37 (hg19) VCF-style: chr17-41738601-G-T.
Other names: c.-44C>A (NM_001040002.2); c.302C>A, p.Ala101Asp (NM_013999.4); short protein forms A101D.
Identifiers: ClinVar variation 1418667 (VCV001418667.5), dbSNP rs183202008, ClinGen allele CA8592662.